The following is an entry in ClinVar:

ClinVar aggregate classification (germline): Pathogenic (1 of 4 stars; one submission).

Conditions:
Frontometaphyseal dysplasia 1 (FMD1). Also called: Frontometaphyseal Dysplasia (FLNA-FMD). Identifiers: Orphanet 1826, MedGen C4281559, MONDO:0024550, OMIM 305620.
Intestinal pseudoobstruction, neuronal, chronic idiopathic, X-linked (CIIPX). Also called: CONGENITAL IDIOPATHIC INTESTINAL PSEUDOOBSTRUCTION; INTESTINAL PSEUDOOBSTRUCTION, NEURONAL, CHRONIC IDIOPATHIC, WITH CENTRAL NERVOUS SYSTEM INVOLVEMENT; FLNA-Related Periventricular Nodular Heterotopia (FLNA-Related PVNH; Huttenlocher Syndrome). Identifiers: Orphanet 2301, MedGen C2746068, MONDO:0010232, OMIM 300048.
Terminal osseous dysplasia-pigmentary defects syndrome. Also called: ODPF SYNDROME; OSSEOUS DYSPLASIA, DIGITAL, WITH FACIAL PIGMENTARY DEFECTS AND MULTIPLE FRENULA; ODPD; TERMINAL OSSEOUS DYSPLASIA AND PIGMENTARY DEFECTS; Terminal Osseous Dysplasia (FLNA-TOD). Identifiers: Orphanet 88630, MedGen C1846129, MONDO:0010279, OMIM 300244.
Heterotopia, periventricular, X-linked dominant (PVNH1). Also called: PERIVENTRICULAR NODULAR HETEROTOPIA 1; X-linked periventricular heterotopia; PERIVENTRICULAR NODULAR HETEROTOPIA 4; HETEROTOPIA, PERIVENTRICULAR, 1. Identifiers: Orphanet 2149, Orphanet 82004, MedGen C1848213, MONDO:0010233, OMIM 300049.
Melnick-Needles syndrome (MNS). Also called: MELNICK-NEEDLES OSTEODYSPLASTY; OSTEODYSPLASTY OF MELNICK AND NEEDLES; Melnick-Needles Syndrome (FLNA-MNS). Identifiers: Orphanet 2484, MedGen C0025237, MONDO:0010650, OMIM 309350.
Cardiac valvular dysplasia, X-linked (CVDPX). Also called: FLNA-Related X-linked Cardiac Valvular Dysplasia; MYXOMATOUS VALVULAR DYSTROPHY, X-LINKED; VALVULAR HEART DISEASE, CONGENITAL; Congenital valvular dysplasia; Isolated X-Linked Cardiac Valvular Dysplasia. Identifiers: Orphanet 1864, Orphanet 555877, Orphanet 75497, MedGen C0262436, MONDO:0010753, OMIM 314400.
Oto-palato-digital syndrome, type I (OPD1). Also called: OPD I SYNDROME; OPD SYNDROME 1; Taybi syndrome; Otopalatodigital Syndrome Type 1 (FLNA-OPD1); Otopalatodigital Syndrome, Type I. Identifiers: Orphanet 669, Orphanet 90650, MedGen C0265251, MONDO:0010704, OMIM 311300.
FG syndrome 2 (FGS2). Identifiers: MedGen C1845902, MONDO:0010297, OMIM 300321.
Oto-palato-digital syndrome, type II (OPD2). Also called: FACIOPALATOOSSEOUS SYNDROME; OPD II SYNDROME; Otopalatodigital Syndrome Type 2 (FLNA-OPD2); Otopalatodigital Syndrome, Type II. Identifiers: Orphanet 669, Orphanet 90652, MedGen C1844696, MONDO:0010571, OMIM 304120.

Submission:

Juno Genomics, Hangzhou Juno Genomics, Inc
Classification: Pathogenic for FG syndrome 2; Cardiac valvular dysplasia, X-linked; Intestinal pseudoobstruction, neuronal, chronic idiopathic, X-linked; Frontometaphyseal dysplasia 1; Heterotopia, periventricular, X-linked dominant; Melnick-Needles syndrome; Oto-palato-digital syndrome, type I; Oto-palato-digital syndrome, type II; Terminal osseous dysplasia-pigmentary defects syndrome. Review status: criteria provided, single submitter. Criteria: ACMG Guidelines, 2015. Collection method: clinical testing. Allele origin: germline. Affected: yes.
Comment: Absent from controls (or at extremely low frequency if recessive) in Genome Aggregation Database, Exome Sequencing Project, 1000 Genomes Project, or Exome Aggregation Consortium.;Null variant in a gene where loss of function (LOF) is a known mechanism of disease.;De novo (both maternity and paternity confirmed) in a patient with the disease and no family history.

NM_001110556.2(FLNA):c.5293C>T (p.Gln1765Ter)

Gene: FLNA (filamin A; minus strand). Cytogenetic location: Xq28.
Variant type: single nucleotide variant.
Coding change: c.5293C>T on transcript NM_001110556.2 (MANE Select); coding-DNA position 5293, C replaced by T.
Protein change: p.Gln1765Ter; replaces glutamine 1765 with a stop codon.
Molecular consequence: nonsense.
Genome position (GRCh38, 1-based): chrX:154,354,636, G>A on the plus strand (C>T on the coding strand, the complement: FLNA is on the minus strand). VCF-style: chrX-154354636-G-A. GRCh37 (hg19) VCF-style: chrX-153583004-G-A.
Other names: c.5269C>T, p.Gln1757Ter (NM_001456.4); short protein forms Q1757*, Q1765*.
Identifiers: ClinVar variation 3382665 (VCV003382665.2).